The following is an entry in ClinVar:

ClinVar aggregate classification (germline): Uncertain significance. Review status: criteria provided, multiple submitters, no conflicts (2 of 4 stars). 2 submissions from 2 submitters: Uncertain significance (2). Last evaluated 2025-10-29.

Allele frequency attached by ClinVar (database versions not stated): gnomAD exomes below 0.00001 and 0.00001; gnomAD 0.00004 and 0.00005; ExAC 0.00001; TOPMed 0.00002.
gnomAD v4.1: 8 of 1,614,216 alleles (0.0005%); highest among the groups gnomAD compares: African/African-American, 0.0093%; no homozygotes.

Submissions (2):

Ambry Genetics
Classification: Uncertain significance. Last evaluated: 2025-10-29. Review status: criteria provided, single submitter. Criteria: Ambry Variant Classification Scheme 2023. Collection method: clinical testing. Allele origin: germline.

Labcorp Genetics (formerly Invitae), Labcorp
Classification: Uncertain significance. Last evaluated: 2022-03-03. Review status: criteria provided, single submitter. Criteria: Invitae Variant Classification Sherloc (09022015). Collection method: clinical testing. Allele origin: germline.
Comment: This sequence change replaces glutamine, which is neutral and polar, with arginine, which is basic and polar, at codon 1630 of the CEP250 protein (p.Gln1630Arg). This variant is present in population databases (rs760716080, gnomAD 0.008%). This variant has not been reported in the literature in individuals affected with CEP250-related conditions. ClinVar contains an entry for this variant (Variation ID: 1008024). Algorithms developed to predict the effect of missense changes on protein structure and function are either unavailable or do not agree on the potential impact of this missense change (SIFT: "Not Available"; PolyPhen-2: "Possibly Damaging"; Align-GVGD: "Not Available"). In summary, the available evidence is currently insufficient to determine the role of this variant in disease. Therefore, it has been classified as a Variant of Uncertain Significance.

NM_007186.6(CEP250):c.4889A>G (p.Gln1630Arg)

Gene: CEP250 (centrosomal protein 250; plus strand). Cytogenetic location: 20q11.22.
Variant type: single nucleotide variant.
Coding change: c.4889A>G on transcript NM_007186.6 (MANE Select); coding-DNA position 4889, A replaced by G.
Protein change: p.Gln1630Arg; replaces glutamine 1630 with arginine.
Molecular consequence: missense variant.
Genome position (GRCh38, 1-based): chr20:35,503,258, A>G. VCF-style: chr20-35503258-A-G. GRCh37 (hg19) VCF-style: chr20-34091086-A-G.
Other names: c.2993A>G, p.Gln998Arg (NM_001318219.1); c.4889A>G (NM_007186.3); short protein forms Q1630R, Q998R.
Identifiers: ClinVar variation 1008024 (VCV001008024.10), dbSNP rs760716080, ClinGen allele CA9833781.
Genomic context (GRCh38, chr20:35,503,258, plus strand): 5'-AGATCCATGACCTGGAGAGCCACAGCACCGTTCTGGCAAGAGAGCTGCAGGAGAGGGACC[A>G]GGAGGTGAAGTCTCAGCGAGAACAGATCGAGGAGCTGCAGAGGCAGAAAGAGCATCTGAC-3'
Protein context (NP_009117.2, residues 1620-1640): VLARELQERD[Gln1630Arg]EVKSQREQIE